The following is an entry in ClinVar:

NM_002049.4(GATA1):c.652G>A (p.Asp218Asn)

Gene: GATA1 (GATA binding protein 1; plus strand). Cytogenetic location: Xp11.23.
Variant type: single nucleotide variant.
Coding change: c.652G>A on transcript NM_002049.4 (MANE Select); coding-DNA position 652, G replaced by A.
Protein change: p.Asp218Asn; replaces aspartic acid 218 with asparagine.
Molecular consequence: missense variant.
Genome position (GRCh38, 1-based): chrX:48,792,376, G>A. VCF-style: chrX-48792376-G-A. GRCh37 (hg19) VCF-style: chrX-48650783-G-A.
Other names: short protein forms D218N.
Identifiers: ClinVar variation 627352 (VCV000627352.8), dbSNP rs104894808, ClinGen allele CA412870656.

ClinVar aggregate classification (germline): Conflicting classifications of pathogenicity. Review status: criteria provided, conflicting classifications (1 of 4 stars). 3 submissions from 3 submitters: Likely pathogenic (2); Uncertain significance (1). Last evaluated 2019-10-24.

Conditions:
Thrombocytopenia, X-linked, with or without dyserythropoietic anemia (XLTDA). Identifiers: Orphanet 67044, MedGen C3550789, MONDO:0010308, OMIM 300367.
Macrothrombocytopenia. Identifiers: MedGen C2751260, HP:0040185.

Submissions (3):

Genetics and Molecular Pathology, SA Pathology
Classification: Uncertain significance for Thrombocytopenia, X-linked, with or without dyserythropoietic anemia. Last evaluated: 2019-10-24. Review status: criteria provided, single submitter. Criteria: ACMG Guidelines, 2015. Collection method: clinical testing. Allele origin: germline. Inheritance: X-linked recessive inheritance. Affected: yes.

NIHR Bioresource Rare Diseases, University of Cambridge
Classification: Likely pathogenic for Macrothrombocytopenia. Last evaluated: 2019-02-01. Review status: criteria provided, single submitter. Criteria: ACMG Guidelines, 2015. Collection method: research. Allele origin: unknown. Affected: yes. Observed: 1 hemizygote. Study: ThromboGenomics.

ISTH-SSC Genomics in Thrombosis and Hemostasis, KU Leuven, Center for Molecular and Vascular Biology
Classification: Likely pathogenic for Thrombocytopenia, X-linked, with or without dyserythropoietic anemia. Review status: criteria provided, single submitter. Criteria: ACMG Guidelines, 2015. Collection method: clinical testing. Allele origin: germline. Affected: yes. Observed: 1 heterozygote.
Comment: Submitted to the GoldVariant database by Kathleen Freson, Center for Molecular and Vascular Biology

Literature cited by the submitters: PubMed 31064749 (cited by NIHR Bioresource Rare Diseases, University of Cambridge).